The following is an entry in ClinVar:

NM_198053.3(CD247):c.128G>T (p.Gly43Val)

Gene: CD247 (CD247 molecule; minus strand). Cytogenetic location: 1q24.2.
Variant type: single nucleotide variant.
Coding change: c.128G>T on transcript NM_198053.3 (MANE Select); coding-DNA position 128, G replaced by T.
Protein change: p.Gly43Val; replaces glycine 43 with valine.
Molecular consequence: missense variant.
Genome position (GRCh38, 1-based): chr1:167,440,698, C>A on the plus strand (G>T on the coding strand, the complement: CD247 is on the minus strand). VCF-style: chr1-167440698-C-A. GRCh37 (hg19) VCF-style: chr1-167409935-C-A.
Other names: p.Gly43Val; c.128G>T, p.Gly43Val (NM_000734.4); c.221G>T, p.Gly74Val (NM_001378515.1, NM_001378516.1); short protein forms G43V, G74V.
Identifiers: ClinVar variation 575487 (VCV000575487.6), dbSNP rs1557996000, ClinGen allele CA343462938.

ClinVar aggregate classification (germline): Uncertain significance. Review status: criteria provided, multiple submitters, no conflicts (2 of 4 stars). 2 submissions from 2 submitters: Uncertain significance (2). Last evaluated 2025-12-11.

Conditions:
Immunodeficiency 25. Also called: Immunodeficiency due to defect in cd3-zeta, somatic. Identifiers: MedGen C1857798, MONDO:0012426, OMIM 610163.

Submissions (2):

Mayo Clinic Laboratories, Mayo Clinic
Classification: Uncertain significance. Last evaluated: 2025-12-11. Review status: criteria provided, single submitter. Criteria: ACMG Guidelines, 2015. Collection method: clinical testing. Allele origin: germline. Observed: 1 variant allele.
Comment: PM2_supporting

Labcorp Genetics (formerly Invitae), Labcorp
Classification: Uncertain significance for Immunodeficiency 25. Last evaluated: 2018-04-16. Review status: criteria provided, single submitter. Criteria: Invitae Variant Classification Sherloc (09022015). Collection method: clinical testing. Allele origin: germline.
Comment: This variant has not been reported in the literature in individuals with CD247-related disease. In summary, the available evidence is currently insufficient to determine the role of this variant in disease. Therefore, it has been classified as a Variant of Uncertain Significance. Algorithms developed to predict the effect of missense changes on protein structure and function do not agree on the potential impact of this missense change (SIFT: "Deleterious"; PolyPhen-2: "Probably Damaging"; Align-GVGD: "Class C0"). This variant is not present in population databases (ExAC no frequency). This sequence change replaces glycine with valine at codon 43 of the CD247 protein (p.Gly43Val). The glycine residue is moderately conserved and there is a moderate physicochemical difference between glycine and valine.